The following is an entry in ClinVar:

NM_000059.4(BRCA2):c.6841+2T>G

Gene: BRCA2 (BRCA2 DNA repair associated; plus strand). Cytogenetic location: 13q13.1.
Variant type: single nucleotide variant.
Coding change: c.6841+2T>G on transcript NM_000059.4 (MANE Select); the canonical splice donor site of the intron after coding-DNA position 6841, T replaced by G.
Molecular consequence: splice donor variant. On other transcripts: intron variant (2).
Genome position (GRCh38, 1-based): chr13:32,341,198, T>G. VCF-style: chr13-32341198-T-G. GRCh37 (hg19) VCF-style: chr13-32915335-T-G.
Other names: c.6841+2T>G (NM_001406720.1, NM_001406719.1); c.1910-3360T>G (NM_001406721.1); c.425-3360T>G (NM_001406722.1).
Identifiers: ClinVar variation 689538 (VCV000689538.10), dbSNP rs1593909960, ClinGen allele CA387791538.

ClinVar aggregate classification (germline): Likely pathogenic. Review status: criteria provided, multiple submitters, no conflicts (2 of 4 stars). 3 submissions from 3 submitters: Likely pathogenic (2). 1 of the submissions does not count toward it. Last evaluated 2025-10-28.

Conditions:
Hereditary cancer-predisposing syndrome. Also called: Neoplastic Syndromes, Hereditary; Tumor predisposition; Hereditary neoplastic syndrome; Hereditary Cancer Syndrome. Identifiers: Orphanet 140162, MedGen C0027672, MeSH D009386, MONDO:0015356.
Hereditary breast ovarian cancer syndrome. Also called: Hereditary breast and ovarian cancer syndrome (HBOC); Breast and ovarian cancer; BRCA1- and BRCA2-Associated Hereditary Breast and Ovarian Cancer; Hereditary breast and ovarian cancer syndrome; Hereditary breast and ovarian cancer; Hereditary breast and/or ovarian cancer syndrome. Identifiers: Orphanet 145, MedGen C0677776, MeSH D061325, MONDO:0003582. Disease mechanism: loss of function.
Breast carcinoma. Also called: Carcinoma of breast. Identifiers: MedGen C0678222, MONDO:0004989, HP:0003002.

Submissions (3):

Labcorp Genetics (formerly Invitae), Labcorp
Classification: Likely pathogenic for Hereditary breast ovarian cancer syndrome. Last evaluated: 2025-10-28. Review status: criteria provided, single submitter. Criteria: Invitae Variant Classification Sherloc (09022015). Collection method: clinical testing. Allele origin: germline.
Comment: This sequence change affects a donor splice site in intron 11 of the BRCA2 gene. It is expected to disrupt RNA splicing. Variants that disrupt the donor or acceptor splice site typically lead to a loss of protein function (PMID: 16199547), and loss-of-function variants in BRCA2 are known to be pathogenic (PMID: 20104584). This variant is not present in population databases (gnomAD no frequency). This variant has not been reported in the literature in individuals affected with BRCA2-related conditions. ClinVar contains an entry for this variant (Variation ID: 689538). Algorithms developed to predict the effect of sequence changes on RNA splicing suggest that this variant may disrupt the consensus splice site. In summary, the currently available evidence indicates that the variant is pathogenic, but additional data are needed to prove that conclusively. Therefore, this variant has been classified as Likely Pathogenic.

Ambry Genetics
Classification: Likely pathogenic for Hereditary cancer-predisposing syndrome. Last evaluated: 2025-08-22. Review status: criteria provided, single submitter. Criteria: Ambry Variant Classification Scheme 2023. Collection method: clinical testing. Allele origin: germline.
Comment: The c.6841+2T>G intronic variant results from a T to G substitution two nucleotides after coding exon 10 of the BRCA2 gene. This variant is considered to be rare based on population cohorts in the Genome Aggregation Database (gnomAD). This nucleotide position is highly conserved in available vertebrate species. In silico splice site analysis predicts that this alteration will weaken the native splice donor site; however, direct evidence is insufficient at this time (Ambry internal data). Alterations that disrupt the canonical splice site are expected to cause aberrant splicing, resulting in an abnormal protein or a transcript that is subject to nonsense-mediated mRNA decay. As such, this alteration is classified as likely pathogenic.

Institute of Human Genetics, University of Wuerzburg
Classification: Likely pathogenic for Breast carcinoma. Review status: no assertion criteria provided. Collection method: clinical testing. Allele origin: unknown. Not counted in ClinVar's aggregate classification.

Literature cited by the submitters: PubMed 16199547 (cited by Labcorp Genetics (formerly Invitae), Labcorp); PubMed 20104584 (cited by Labcorp Genetics (formerly Invitae), Labcorp).